The following is an entry in ClinVar:

ClinVar aggregate classification (germline): Uncertain significance (1 of 4 stars; one submission).

Conditions:
Cardiovascular phenotype. Identifiers: MedGen CN230736.

Submission:

Ambry Genetics
Classification: Uncertain significance for Cardiovascular phenotype. Last evaluated: 2024-07-06. Review status: criteria provided, single submitter. Criteria: Ambry Variant Classification Scheme 2023. Collection method: clinical testing. Allele origin: germline.
Comment: The p.F799L variant (also known as c.2395T>C), located in coding exon 10 of the MYPN gene, results from a T to C substitution at nucleotide position 2395. The phenylalanine at codon 799 is replaced by leucine, an amino acid with highly similar properties. This amino acid position is conserved. In addition, this alteration is predicted to be tolerated by in silico analysis. Based on the available evidence, the clinical significance of this variant remains unclear.

NM_032578.4(MYPN):c.2395T>C (p.Phe799Leu)

Gene: MYPN (myopalladin; plus strand). Cytogenetic location: 10q21.3.
Variant type: single nucleotide variant.
Coding change: c.2395T>C on transcript NM_032578.4 (MANE Select); coding-DNA position 2395, T replaced by C.
Protein change: p.Phe799Leu; replaces phenylalanine 799 with leucine.
Molecular consequence: missense variant. On other transcripts: non-coding transcript variant (2).
Genome position (GRCh38, 1-based): chr10:68,174,487, T>C. VCF-style: chr10-68174487-T-C. GRCh37 (hg19) VCF-style: chr10-69934244-T-C.
Other names: c.2395T>C, p.Phe799Leu (NM_001256267.2); c.1513T>C, p.Phe505Leu (NM_001256268.2); short protein forms F505L, F799L.
Identifiers: ClinVar variation 3402022 (VCV003402022.1).
Genomic context (GRCh38, chr10:68,174,487, plus strand): 5'-TCCATCCAAAATGAGCCACTCCCACCAGGCCCAACAGAACCAACACCACCACCATTCACA[T>C]TTTCCATCCCCAGCGGAAACCAGTTTCAGCCCCGCTGTGTGTCCCCAATTCCTGTCTCTC-3'
Protein context (NP_115967.2, residues 789-809): PTEPTPPPFT[Phe799Leu]SIPSGNQFQP